The following is an entry in ClinVar:

NM_002476.2(MYL4):c.193C>T (p.Arg65Trp)

Gene: MYL4 (myosin light chain 4; plus strand). Cytogenetic location: 17q21.32.
Variant type: single nucleotide variant.
Coding change: c.193C>T on transcript NM_002476.2 (MANE Select); coding-DNA position 193, C replaced by T.
Protein change: p.Arg65Trp; replaces arginine 65 with tryptophan.
Molecular consequence: missense variant.
Genome position (GRCh38, 1-based): chr17:47,219,933, C>T. VCF-style: chr17-47219933-C-T. GRCh37 (hg19) VCF-style: chr17-45297299-C-T.
Other names: c.193C>T, p.Arg65Trp (NM_001002841.2); short protein forms R65W.
Identifiers: ClinVar variation 2186195 (VCV002186195.4), dbSNP rs767289051, ClinGen allele CA8622675.
Genomic context (GRCh38, chr17:47,219,933, plus strand): 5'-TGGAAGGTATAGCTGGGTCTTCTCTCCACAGAGTTCAAAGAGGCCTTTTCATTGTTTGAC[C>T]GGACCCCGACTGGAGAGATGAAGATCACCTACGGCCAGTGCGGGGATGTACTGCGGGCCC-3'
Protein context (NP_002467.1, residues 55-75): EFKEAFSLFD[Arg65Trp]TPTGEMKITY

ClinVar aggregate classification (germline): Uncertain significance (1 of 4 stars; one submission).

Conditions:
Atrial fibrillation, familial, 18 (ATFB18). Identifiers: MedGen C4310636, MONDO:0015001, OMIM 617280.

Allele frequency attached by ClinVar (database versions not stated): gnomAD exomes below 0.00001; ExAC 0.00003.
gnomAD v4.1: 5 of 1,614,208 alleles (0.00031%); highest among the groups gnomAD compares: East Asian, 0.0089%; no homozygotes.

Submission:

Labcorp Genetics (formerly Invitae), Labcorp
Classification: Uncertain significance for Atrial fibrillation, familial, 18. Last evaluated: 2022-05-16. Review status: criteria provided, single submitter. Criteria: Invitae Variant Classification Sherloc (09022015). Collection method: clinical testing. Allele origin: germline.
Comment: This sequence change replaces arginine, which is basic and polar, with tryptophan, which is neutral and slightly polar, at codon 65 of the MYL4 protein (p.Arg65Trp). This variant is present in population databases (rs767289051, gnomAD 0.02%). This variant has not been reported in the literature in individuals affected with MYL4-related conditions. Algorithms developed to predict the effect of missense changes on protein structure and function are either unavailable or do not agree on the potential impact of this missense change (SIFT: "Deleterious"; PolyPhen-2: "Probably Damaging"; Align-GVGD: "Class C0"). In summary, the available evidence is currently insufficient to determine the role of this variant in disease. Therefore, it has been classified as a Variant of Uncertain Significance.